The following is an entry in ClinVar:

NM_000135.4(FANCA):c.195A>T (p.Glu65Asp)

Gene: FANCA (FA complementation group A; minus strand). Cytogenetic location: 16q24.3.
Variant type: single nucleotide variant.
Coding change: c.195A>T on transcript NM_000135.4 (MANE Select); coding-DNA position 195, A replaced by T.
Protein change: p.Glu65Asp; replaces glutamic acid 65 with aspartic acid.
Molecular consequence: missense variant.
Genome position (GRCh38, 1-based): chr16:89,814,608, T>A on the plus strand (A>T on the coding strand, the complement: FANCA is on the minus strand). VCF-style: chr16-89814608-T-A. GRCh37 (hg19) VCF-style: chr16-89881016-T-A.
Other names: c.195A>T, p.Glu65Asp (NM_001018112.3, NM_001286167.3, NM_001351830.2); short protein forms E65D.
Identifiers: ClinVar variation 4619235 (VCV004619235.1).

ClinVar aggregate classification (germline): Uncertain significance (1 of 4 stars; one submission).

Conditions:
Inborn genetic diseases. Identifiers: MedGen C0950123, MeSH D030342.

Submission:

Ambry Genetics
Classification: Uncertain significance for Inborn genetic diseases. Last evaluated: 2025-11-01. Review status: criteria provided, single submitter. Criteria: Ambry Variant Classification Scheme 2023. Collection method: clinical testing. Allele origin: germline.
Comment: The p.E65D variant (also known as c.195A>T), located in coding exon 3 of the FANCA gene, results from an A to T substitution at nucleotide position 195. The glutamic acid at codon 65 is replaced by aspartic acid, an amino acid with highly similar properties. This amino acid position is conserved. In addition, this alteration is predicted to be tolerated by in silico analysis. Based on the available evidence, the clinical significance of this variant remains unclear.